The following is an entry in ClinVar:

NM_001170629.2(CHD8):c.6876dup (p.Leu2293fs)

Genes: CHD8 (chromodomain helicase DNA binding protein 8; minus strand), LOC126861888 (CDK7 strongly-dependent group 2 enhancer GRCh37_chr14:21859227-21860426; plus strand). Cytogenetic location: 14q11.2.
Variant type: Duplication.
Coding change: c.6876dup on transcript NM_001170629.2 (MANE Select); coding-DNA position 6876, one base duplicated (G; older notation c.6876dupG).
Protein change: p.Leu2293fs; shifts the reading frame from leucine 2293.
Molecular consequence: frameshift variant.
Genome position (GRCh38, 1-based): chr14:21,391,842, C duplicated on the plus strand (G on the coding strand, the reverse complement: CHD8 is on the minus strand). VCF-style (leftmost placement, unchanged base first): chr14-21391841-G-GC. GRCh37 (hg19) VCF-style: chr14-21860000-G-GC.
Other names: c.6039dup, p.Leu2014fs (NM_020920.4); c.6876dupG (NM_001170629.1); short protein forms L2014fs, L2293fs.
Identifiers: ClinVar variation 504097 (VCV000504097.2), dbSNP rs1555312905, ClinGen allele CA658798161.

ClinVar aggregate classification (germline): Pathogenic (1 of 4 stars; one submission).

Submission:

GeneDx
Classification: Pathogenic. Last evaluated: 2018-01-12. Review status: criteria provided, single submitter. Criteria: GeneDx Variant Classification (06012015). Collection method: clinical testing. Allele origin: germline. Affected: yes.
Comment: The c.6876dupG variant in the CHD8 gene has not been reported previously as a pathogenic variant nor as a benign variant, to our knowledge. The c.6876dupG variant causes a frameshift starting with codon Leucine 2293, changes this amino acid to an Alanine residue, and creates a premature Stop codon at position 13 of the new reading frame, denoted p.Leu2293AlafsX13. This variant is predicted to cause loss of normal protein function either through protein truncation or nonsense-mediated mRNA decay. The c.6876dupG variant is not observed in large population cohorts (Lek et al., 2016). We interpret c.6876dupG as a pathogenic variant.